The following is an entry in ClinVar:

NC_000018.9:g.(?_28647981)_(28681934_?)dup

Gene: DSC2 (desmocollin 2; minus strand). Cytogenetic location: 18q12.1.
Variant type: Duplication.
Identifiers: ClinVar variation 2426822 (VCV002426822.3).

ClinVar aggregate classification (germline): Uncertain significance (1 of 4 stars; one submission).

Conditions:
Arrhythmogenic right ventricular dysplasia 11. Also called: Arrhythmogenic Right Ventricular Dysplasia/Cardiomyopathy11; ARRHYTHMOGENIC RIGHT VENTRICULAR DYSPLASIA, FAMILIAL, 11; Arrhythmogenic right ventricular dysplasia 11 with mild palmoplantar keratoderma and woolly hair. Identifiers: MedGen C1864850, MONDO:0012506, OMIM 610476.

Submission:

Labcorp Genetics (formerly Invitae), Labcorp
Classification: Uncertain significance for Arrhythmogenic right ventricular dysplasia 11. Last evaluated: 2022-03-20. Review status: criteria provided, single submitter. Criteria: Invitae Variant Classification Sherloc (09022015). Collection method: clinical testing. Allele origin: germline.
Comment: A copy number gain of the genomic region encompassing the full coding sequence of the DSC2 gene has been identified. The boundaries of this event are unknown as they extend beyond the assayed region for this gene and therefore may encompass additional genes. As the precise location of this event is unknown, it may be in tandem or it may be located elsewhere in the genome. This variant has not been reported in the literature in individuals affected with DSC2-related conditions. In summary, the available evidence is currently insufficient to determine the role of this variant in disease. Therefore, it has been classified as a Variant of Uncertain Significance.